The following is an entry in ClinVar:

NM_000350.3(ABCA4):c.1344del (p.Met448fs)

Gene: ABCA4 (ATP binding cassette subfamily A member 4; minus strand). Cytogenetic location: 1p22.1.
Variant type: Deletion.
Coding change: c.1344del on transcript NM_000350.3 (MANE Select); coding-DNA position 1344, one base deleted (G; older notation c.1344delG).
Protein change: p.Met448fs; shifts the reading frame from methionine 448.
Molecular consequence: frameshift variant.
Genome position (GRCh38, 1-based): chr1:94,078,602, C deleted on the plus strand (G on the coding strand, the reverse complement: ABCA4 is on the minus strand). VCF-style (leftmost placement, unchanged base first): chr1-94078601-TC-T. GRCh37 (hg19) VCF-style: chr1-94544157-TC-T.
Other names: c.1344delG, p.Met448Ilefs (NM_001425324.1); short protein forms M448fs.
Identifiers: ClinVar variation 99047 (VCV000099047.11), dbSNP rs61748554, ClinGen allele CA226888.

ClinVar aggregate classification (germline): Pathogenic. Review status: criteria provided, multiple submitters, no conflicts (2 of 4 stars). 4 submissions from 4 submitters: Pathogenic (3). 1 of the submissions does not count toward it. Last evaluated 2025-10-09.

Conditions:
Stargardt disease (FFM). Also called: Fundus flavimaculatus; Stargardt's disease. Identifiers: Orphanet 827, MedGen C0271093, MONDO:0019353.
Severe early-childhood-onset retinal dystrophy (STGD1). Also called: MACULAR DYSTROPHY WITH FLECKS, TYPE 1; STGD; Stargardt disease 1; Stargardt macular dystrophy; Juvenile onset macular degeneration. Identifiers: Orphanet 364055, Orphanet 827, MedGen C1855465, MeSH D000080362, MONDO:0009549, OMIM 248200.
ABCA4-related disorder. Also called: ABCA4-related condition; ABCA4-related disorders. Identifiers: MedGen CN239167.

Allele frequency attached by ClinVar (database versions not stated): gnomAD exomes below 0.00001.

Submissions (4):

Labcorp Genetics (formerly Invitae), Labcorp
Classification: Pathogenic. Last evaluated: 2025-10-09. Review status: criteria provided, single submitter. Criteria: Invitae Variant Classification Sherloc (09022015). Collection method: clinical testing. Allele origin: germline.
Comment: This sequence change creates a premature translational stop signal (p.Met448Ilefs*3) in the ABCA4 gene. It is expected to result in an absent or disrupted protein product. Loss-of-function variants in ABCA4 are known to be pathogenic (PMID: 10958761, 24938718, 25312043, 26780318). This variant is not present in population databases (gnomAD no frequency). This premature translational stop signal has been observed in individual(s) with Stargardt disease (PMID: 10206579, 31614660). ClinVar contains an entry for this variant (Variation ID: 99047). Algorithms developed to predict the effect of sequence changes on RNA splicing suggest that this variant may disrupt the consensus splice site. For these reasons, this variant has been classified as Pathogenic.

Institute of Medical Genetics and Applied Genomics, University Hospital Tübingen
Classification: Pathogenic for Severe early-childhood-onset retinal dystrophy; Stargardt disease. Last evaluated: 2023-01-11. Review status: criteria provided, single submitter. Criteria: ACMG Guidelines, 2015. Collection method: clinical testing. Allele origin: germline. Inheritance: Autosomal recessive inheritance. Affected: yes.

Blueprint Genetics
Classification: Pathogenic for ABCA4-related disorders. Last evaluated: 2019-09-22. Review status: criteria provided, single submitter. Criteria: ACMG Guidelines, 2015. Collection method: clinical testing. Allele origin: germline. Affected: yes. Observed: 1 variant allele.

Retina International
No classification provided. Review status: no classification provided. Collection method: not provided. Allele origin: not provided. Not counted in ClinVar's aggregate classification.

Literature cited by the submitters: PubMed 10958761 (cited by Labcorp Genetics (formerly Invitae), Labcorp); PubMed 24938718 (cited by Labcorp Genetics (formerly Invitae), Labcorp); PubMed 25312043 (cited by Labcorp Genetics (formerly Invitae), Labcorp); PubMed 26780318 (cited by Labcorp Genetics (formerly Invitae), Labcorp); PubMed 10206579 (cited by Labcorp Genetics (formerly Invitae), Labcorp); PubMed 31614660 (cited by Labcorp Genetics (formerly Invitae), Labcorp).